The following is an entry in ClinVar:

ClinVar aggregate classification (germline): Pathogenic (1 of 4 stars; one submission).

Conditions:
Autosomal recessive spinocerebellar ataxia 12. Also called: SPINOCEREBELLAR ATAXIA WITH MENTAL RETARDATION AND EPILEPSY. Identifiers: Orphanet 284282, MedGen C3280452, MONDO:0013687, OMIM 614322.
Developmental and epileptic encephalopathy, 1 (DEE1). Also called: X-linked infantile spasms; West's syndrome; Tonic spasms with clustering, arrest of psychomotor development and hypsarrhythmia on EEG; X-Linked Infantile Spasm Syndrome; OHTAHARA SYNDROME, X-LINKED; INFANTILE SPASM SYNDROME, X-LINKED 1. Identifiers: MedGen C3463992, MONDO:0010632, OMIM 308350. Disease mechanism: loss of function.

Submissions (2):

Labcorp Genetics (formerly Invitae), Labcorp
Classification: Pathogenic for Developmental and epileptic encephalopathy, 1; Autosomal recessive spinocerebellar ataxia 12. Last evaluated: 2025-11-30. Review status: criteria provided, single submitter. Criteria: Invitae Variant Classification Sherloc (09022015). Collection method: clinical testing. Allele origin: germline.
Comment: This sequence change affects a donor splice site in intron 4 of the WWOX gene. It is expected to disrupt RNA splicing. Variants that disrupt the donor or acceptor splice site typically lead to a loss of protein function (PMID: 16199547), and loss-of-function variants in WWOX are known to be pathogenic (PMID: 24456803, 25411445). This variant is not present in population databases (gnomAD no frequency). Disruption of this splice site has been observed in individuals with WWOX-related conditions (PMID: 27848944, 30746283). Algorithms developed to predict the effect of sequence changes on RNA splicing suggest that this variant may disrupt the consensus splice site. For these reasons, this variant has been classified as Pathogenic.

Dr. Peter K. Rogan Lab, Western University
No classification provided (evidence only). Condition: Squamous cell lung carcinoma. Review status: no classification provided. Collection method: in vitro. Allele origin: not applicable. Functional consequence: skipped exon, retained intron. Not counted in ClinVar's aggregate classification.

Literature cited by the submitters: PubMed 16199547 (cited by Labcorp Genetics (formerly Invitae), Labcorp); PubMed 24456803 (cited by Labcorp Genetics (formerly Invitae), Labcorp); PubMed 25411445 (cited by Labcorp Genetics (formerly Invitae), Labcorp); PubMed 27848944 (cited by Labcorp Genetics (formerly Invitae), Labcorp); PubMed 30746283 (cited by Labcorp Genetics (formerly Invitae), Labcorp).

NM_016373.4(WWOX):c.409+2T>C

Gene: WWOX (WW domain containing oxidoreductase; plus strand). Cytogenetic location: 16q23.1.
Variant type: single nucleotide variant.
Coding change: c.409+2T>C on transcript NM_016373.4 (MANE Select); the canonical splice donor site of the intron after coding-DNA position 409, T replaced by C.
Molecular consequence: splice donor variant.
Genome position (GRCh38, 1-based): chr16:78,115,156, T>C. VCF-style: chr16-78115156-T-C. GRCh37 (hg19) VCF-style: chr16-78149053-T-C.
Other names: NC_000016.9:g.78149053T>C; c.70+2T>C (NM_001291997.2); c.409+2T>C (NM_130791.5).
Identifiers: ClinVar variation 4415797 (VCV004415797.2).